The following is an entry in ClinVar:

NM_001267550.2(TTN):c.51958C>T (p.Gln17320Ter)

Genes: TTN (titin; minus strand), TTN-AS1 (TTN antisense RNA 1; plus strand). Cytogenetic location: 2q31.2.
Variant type: single nucleotide variant.
Coding change: c.51958C>T on transcript NM_001267550.2 (MANE Select); coding-DNA position 51958, C replaced by T.
Protein change: p.Gln17320Ter; replaces glutamine 17320 with a stop codon.
Molecular consequence: nonsense.
Genome position (GRCh38, 1-based): chr2:178,609,352, G>A on the plus strand (C>T on the coding strand, the complement: TTN is on the minus strand). VCF-style: chr2-178609352-G-A. GRCh37 (hg19) VCF-style: chr2-179474079-G-A.
Other names: c.51958C>T (NM_001267550.1); c.47035C>T, p.Gln15679Ter (NM_001256850.1); c.24763C>T, p.Gln8255Ter (NM_003319.4); c.44254C>T, p.Gln14752Ter (NM_133378.4); c.25138C>T, p.Gln8380Ter (NM_133432.3); c.25339C>T, p.Gln8447Ter (NM_133437.4); short protein forms Q8447*, Q17320*, Q8255*, Q8380*, Q14752*, Q15679*.
Identifiers: ClinVar variation 846211 (VCV000846211.13), dbSNP rs2055753321, ClinGen allele CA349578797.

ClinVar aggregate classification (germline): Likely pathogenic. Review status: criteria provided, multiple submitters, no conflicts (2 of 4 stars). 2 submissions from 2 submitters: Likely pathogenic (2). Last evaluated 2025-11-11.

Conditions:
Dilated cardiomyopathy 1G (CMD1G). Identifiers: Orphanet 154, MedGen C1858763, MONDO:0011400, OMIM 604145.
Autosomal recessive limb-girdle muscular dystrophy type 2J (LGMDR10). Also called: Limb-girdle muscular dystrophy, type 2J; MUSCULAR DYSTROPHY, LIMB-GIRDLE, AUTOSOMAL RECESSIVE 10. Identifiers: Orphanet 140922, MedGen C1837342, MONDO:0012127, OMIM 608807.

gnomAD v4.1: 2 of 1,612,126 alleles (0.00012%); highest among the groups gnomAD compares: Non-Finnish European, 0.00017%; no homozygotes.

Submissions (2):

GeneDx
Classification: Likely pathogenic. Last evaluated: 2025-11-11. Review status: criteria provided, single submitter. Criteria: GeneDx Variant Classification Process June 2021. Collection method: clinical testing. Allele origin: germline. Affected: yes.
Comment: Nonsense variant predicted to result in protein truncation or nonsense mediated decay in a gene for which loss of function is a known mechanism of disease; Located in the A-band, a region of TTN for which truncating variants are significantly associated with autosomal dominant cardiomyopathy and also with autosomal recessive skeletal myopathies (PMID: 22335739, 32778822); Not observed at significant frequency in large population cohorts (gnomAD); Has not been previously published as pathogenic or benign to our knowledge; This variant is associated with the following publications: (PMID: 22335739, 32778822)

Labcorp Genetics (formerly Invitae), Labcorp
Classification: Likely pathogenic for Dilated cardiomyopathy 1G; Autosomal recessive limb-girdle muscular dystrophy type 2J. Last evaluated: 2020-05-21. Review status: criteria provided, single submitter. Criteria: Invitae Variant Classification Sherloc (09022015). Collection method: clinical testing. Allele origin: germline.
Comment: In summary, the currently available evidence indicates that the variant is pathogenic, but additional data are needed to prove that conclusively. Therefore, this variant has been classified as Likely Pathogenic. This variant is located in the A band of TTN (PMID: 25589632). Truncating variants in this region are significantly overrepresented in patients affected with dilated cardiomyopathy (PMID: 25589632). Truncating variants in this region have also been reported in individuals affected with autosomal recessive centronuclear myopathy (PMID: 23975875). This variant has not been reported in the literature in individuals with TTN-related conditions. This variant is not present in population databases (ExAC no frequency). This sequence change results in a premature translational stop signal in the TTN gene (p.Gln17320*). While this is not anticipated to result in nonsense mediated decay, it is expected to create a truncated TTN protein.

Literature cited by the submitters: PubMed 25589632 (cited by Labcorp Genetics (formerly Invitae), Labcorp); PubMed 23975875 (cited by Labcorp Genetics (formerly Invitae), Labcorp).